The following is an entry in ClinVar:

NM_003060.4(SLC22A5):c.679C>G (p.Arg227Gly)

Gene: SLC22A5 (solute carrier family 22 member 5; plus strand). Cytogenetic location: 5q31.1.
Variant type: single nucleotide variant.
Coding change: c.679C>G on transcript NM_003060.4 (MANE Select); coding-DNA position 679, C replaced by G.
Protein change: p.Arg227Gly; replaces arginine 227 with glycine.
Molecular consequence: missense variant.
Genome position (GRCh38, 1-based): chr5:132,385,354, C>G. VCF-style: chr5-132385354-C-G. GRCh37 (hg19) VCF-style: chr5-131721046-C-G.
Other names: c.751C>G, p.Arg251Gly (NM_001308122.2); short protein forms R227G, R251G.
Identifiers: ClinVar variation 2728772 (VCV002728772.3), dbSNP rs546902674, ClinGen allele CA3403947.

ClinVar aggregate classification (germline): Likely pathogenic (1 of 4 stars; one submission).

Conditions:
Renal carnitine transport defect (CDSP). Also called: Primary carnitine deficiency; Systemic primary carnitine deficiency; Systemic primary carnitine deficiency disease; Carnitine transporter deficiency; Carnitine Deficiency, Systemic; CARNITINE DEFICIENCY, SYSTEMIC, DUE TO DEFECT IN RENAL REABSORPTION OF CARNITINE. Identifiers: Orphanet 158, MedGen C0342788, MONDO:0008919, OMIM 212140.

Submission:

Labcorp Genetics (formerly Invitae), Labcorp
Classification: Likely pathogenic for Renal carnitine transport defect. Last evaluated: 2024-01-06. Review status: criteria provided, single submitter. Criteria: Invitae Variant Classification Sherloc (09022015). Collection method: clinical testing. Allele origin: germline.
Comment: This sequence change replaces arginine, which is basic and polar, with glycine, which is neutral and non-polar, at codon 227 of the SLC22A5 protein (p.Arg227Gly). This variant is present in population databases (rs546902674, gnomAD 0.0009%). This variant has not been reported in the literature in individuals affected with SLC22A5-related conditions. Advanced modeling of protein sequence and biophysical properties (such as structural, functional, and spatial information, amino acid conservation, physicochemical variation, residue mobility, and thermodynamic stability) performed at Invitae indicates that this missense variant is expected to disrupt SLC22A5 protein function with a positive predictive value of 95%. This variant disrupts the p.Arg227 amino acid residue in SLC22A5. Other variant(s) that disrupt this residue have been determined to be pathogenic (PMID: 20574985, 26828774). This suggests that this residue is clinically significant, and that variants that disrupt this residue are likely to be disease-causing. In summary, the currently available evidence indicates that the variant is pathogenic, but additional data are needed to prove that conclusively. Therefore, this variant has been classified as Likely Pathogenic.

Literature cited by the submitters: PubMed 20574985; PubMed 26828774.